The following is an entry in ClinVar:

NM_000054.7(AVPR2):c.575G>T (p.Cys192Phe)

Gene: AVPR2 (arginine vasopressin receptor 2; plus strand). Cytogenetic location: Xq28.
Variant type: single nucleotide variant.
Coding change: c.575G>T on transcript NM_000054.7 (MANE Select); coding-DNA position 575, G replaced by T.
Protein change: p.Cys192Phe; replaces cysteine 192 with phenylalanine.
Molecular consequence: missense variant. On other transcripts: non-coding transcript variant (1).
Genome position (GRCh38, 1-based): chrX:153,906,081, G>T. VCF-style: chrX-153906081-G-T. GRCh37 (hg19) VCF-style: chrX-153171535-G-T.
Other names: c.575G>T, p.Cys192Phe (NM_001146151.3); short protein forms C192F.
Identifiers: ClinVar variation 4876706 (VCV004876706.1).

ClinVar aggregate classification (germline): Pathogenic (1 of 4 stars; one submission).

Conditions:
Diabetes insipidus, nephrogenic, X-linked. Also called: Nephrogenic Diabetes Insipidus, Type I. Identifiers: Orphanet 223, MedGen C1563705, MONDO:0010581, OMIM 304800.

Submission:

Department of Traditional Chinese Medicine, Fujian Provincial Hospital
Classification: Pathogenic for Diabetes insipidus, nephrogenic, X-linked. Last evaluated: 2026-06-01. Review status: criteria provided, single submitter. Criteria: ACMG Guidelines, 2015. Collection method: research. Allele origin: inherited. Affected: yes.
Comment: Cys192 is a conserved cysteine in the second extracellular loop of V2R and is predicted to form a critical disulfide bond with Cys112. Functional studies of other substitutions at Cys192 have shown impaired V2R function/dDAVP-induced cAMP signaling, and another missense change at the same residue, p.Cys192Arg, has been reported in NDI patients. The variant is absent or extremely rare in population databases and has deleterious in silico prediction support (REVEL 0.669). Classified as Pathogenic according to ACMG/AMP criteria: PS2 or PM6, PM1, PM2_supporting, PM5, PP3, and PP4.